The following is an entry in ClinVar:

NM_001387430.1(SH2B1):c.932C>T (p.Pro311Leu)

Gene: SH2B1 (SH2B adaptor protein 1; plus strand). Cytogenetic location: 16p11.2.
Variant type: single nucleotide variant.
Coding change: c.932C>T on transcript NM_001387430.1 (MANE Select); coding-DNA position 932, C replaced by T.
Protein change: p.Pro311Leu; replaces proline 311 with leucine.
Molecular consequence: missense variant. On other transcripts: intron variant (1).
Genome position (GRCh38, 1-based): chr16:28,867,026, C>T. VCF-style: chr16-28867026-C-T. GRCh37 (hg19) VCF-style: chr16-28878347-C-T.
Other names: c.932C>T, p.Pro311Leu (NM_001145795.2, NM_001145796.2, NM_001145797.2 and 4 more transcripts); c.-26-348C>T (NM_001308294.2); short protein forms P311L.
Identifiers: ClinVar variation 4072503 (VCV004072503.1).

ClinVar aggregate classification (germline): Uncertain significance (1 of 4 stars; one submission).

Submission:

GeneDx
Classification: Uncertain significance. Last evaluated: 2025-01-29. Review status: criteria provided, single submitter. Criteria: GeneDx Variant Classification Process June 2021. Collection method: clinical testing. Allele origin: germline. Affected: yes.
Comment: Not observed at significant frequency in large population cohorts (gnomAD); In silico analysis supports that this missense variant has a deleterious effect on protein structure/function; Has not been previously published as pathogenic or benign to our knowledge